The following is an entry in ClinVar:

ClinVar aggregate classification (germline): Benign (1 of 4 stars; one submission).

gnomAD v4.1: 1,754 of 1,610,082 alleles (0.11%); highest among the groups gnomAD compares: Admixed American, 0.24%; 4 homozygotes.

Submission:

CeGaT Center for Human Genetics Tuebingen
Classification: Benign. Last evaluated: 2025-12-01. Review status: criteria provided, single submitter. Criteria: CeGaT Center For Human Genetics Tuebingen Variant Classification Criteria Version 2. Collection method: clinical testing. Allele origin: germline. Affected: yes. Observed: 1 variant allele.
Comment: UNC79: BS1, BS2

NM_001395159.1(UNC79):c.1094-8C>T

Gene: UNC79 (unc-79 subunit of NALCN channel complex; plus strand). Cytogenetic location: 14q32.12.
Variant type: single nucleotide variant.
Coding change: c.1094-8C>T on transcript NM_001395159.1 (MANE Select); 8 bases into the intron before coding-DNA position 1094, C replaced by T.
Molecular consequence: intron variant.
Genome position (GRCh38, 1-based): chr14:93,532,542, C>T. VCF-style: chr14-93532542-C-T. GRCh37 (hg19) VCF-style: chr14-93998888-C-T.
Other names: c.563-8C>T (NM_020818.5); c.1094-8C>T (NM_001346218.2).
Identifiers: ClinVar variation 4681412 (VCV004681412.5).
Genomic context (GRCh38, chr14:93,532,542, plus strand): 5'-AATTAATTAAATAAAAATTAGAGGGGCTCTCTTTCTTTGTTGATATTTTGTGTGCCTTCC[C>T]CTTACAGCTGAAATATCTGCTATATGTCAGAAAAAGGTAAGAGCAAACCATTTGTGTCGT-3'